The following is an entry in ClinVar:

NM_000051.4(ATM):c.8824_8834del (p.Gln2942fs)

Genes: ATM (ATM serine/threonine kinase; plus strand), C11orf65 (chromosome 11 open reading frame 65; minus strand). Cytogenetic location: 11q22.3.
Variant type: Deletion.
Coding change: c.8824_8834del on transcript NM_000051.4 (MANE Select); coding-DNA positions 8824 to 8834, 11 bases deleted (CAGGAAACTCT).
Protein change: p.Gln2942fs; shifts the reading frame from glutamine 2942.
Molecular consequence: frameshift variant. On other transcripts: intron variant (2).
Genome position (GRCh38, 1-based): chr11:108,354,848-108,354,858, CAGGAAACTCT deleted; deleting any 11 consecutive bases within chr11:108,354,840-108,354,858 gives the same sequence; the c. name uses the placement nearest the transcript's 3' end. VCF-style (leftmost placement, unchanged base first): chr11-108354839-AGAAACTCTCAG-A. GRCh37 (hg19) VCF-style: chr11-108225566-AGAAACTCTCAG-A.
Other names: c.8824_8834delCAGGAAACTCT, p.Gln2942Valfs (NM_000051.3); c.8824_8834del, p.Gln2942fs (NM_001351834.2); c.640+31070_640+31080del (NM_001330368.2); c.695-19558_695-19548del (NM_001351110.2); short protein forms Q2942fs.
Identifiers: ClinVar variation 839676 (VCV000839676.10), dbSNP rs2089695236, ClinGen allele CA916080503.

ClinVar aggregate classification (germline): Pathogenic. Review status: criteria provided, multiple submitters, no conflicts (2 of 4 stars). 2 submissions from 2 submitters: Pathogenic (2). Last evaluated 2025-01-11.

Conditions:
Familial cancer of breast. Also called: Hereditary breast cancer; BREAST CANCER, FAMILIAL; hereditary breast carcinoma. Identifiers: Orphanet 227535, MedGen C0346153, MONDO:0016419, OMIM 114480. Disease mechanism: loss of function.
Ataxia-telangiectasia syndrome (AT). Also called: ATAXIA-TELANGIECTASIA, COMPLEMENTATION GROUP A; ATAXIA-TELANGIECTASIA, FRESNO VARIANT; Ataxia-telangiectasia; Ataxia-telangiectasia, complementation group D; AT, COMPLEMENTATION GROUP C; Ataxia-telangiectasia, complementation group E. Identifiers: Orphanet 100, MedGen C0004135, MONDO:0008840, OMIM 208900.

Submissions (2):

Labcorp Genetics (formerly Invitae), Labcorp
Classification: Pathogenic for Ataxia-telangiectasia syndrome. Last evaluated: 2025-01-11. Review status: criteria provided, single submitter. Criteria: Invitae Variant Classification Sherloc (09022015). Collection method: clinical testing. Allele origin: germline.
Comment: This sequence change creates a premature translational stop signal (p.Gln2942Valfs*10) in the ATM gene. It is expected to result in an absent or disrupted protein product. Loss-of-function variants in ATM are known to be pathogenic (PMID: 23807571, 25614872). This variant is not present in population databases (gnomAD no frequency). This variant has not been reported in the literature in individuals affected with ATM-related conditions. ClinVar contains an entry for this variant (Variation ID: 839676). Algorithms developed to predict the effect of sequence changes on RNA splicing suggest that this variant may disrupt the consensus splice site. For these reasons, this variant has been classified as Pathogenic.

Myriad Genetics, Inc.
Classification: Pathogenic for Familial cancer of breast. Last evaluated: 2024-02-05. Review status: criteria provided, single submitter. Criteria: Myriad Autosomal Dominant, Autosomal Recessive and X-Linked Classification Criteria (2023). Collection method: clinical testing. Allele origin: unknown.
Comment: This variant is considered pathogenic. This variant creates a frameshift predicted to result in premature protein truncation.

Literature cited by the submitters: PubMed 23807571 (cited by Labcorp Genetics (formerly Invitae), Labcorp); PubMed 25614872 (cited by Labcorp Genetics (formerly Invitae), Labcorp).